The following is an entry in ClinVar:

NC_000022.10:g.(?_50900968)_(50913269_?)dup

Gene: SBF1 (SET binding factor 1; minus strand). Cytogenetic location: 22q13.33.
Variant type: Duplication.
Identifiers: ClinVar variation 2424575 (VCV002424575.4).

ClinVar aggregate classification (germline): Uncertain significance (1 of 4 stars; one submission).

Submission:

Labcorp Genetics (formerly Invitae), Labcorp
Classification: Uncertain significance. Last evaluated: 2022-05-05. Review status: criteria provided, single submitter. Criteria: Invitae Variant Classification Sherloc (09022015). Collection method: clinical testing. Allele origin: germline.
Comment: In summary, the available evidence is currently insufficient to determine the role of this variant in disease. Therefore, it has been classified as a Variant of Uncertain Significance. This variant has not been reported in the literature in individuals affected with SBF1-related conditions. This variant results in a copy number gain of the genomic region encompassing exon(s) 1-18 of the SBF1 gene. This region includes the initiator codon of the gene. This copy number gain extends beyond the assayed region for this gene and therefore may encompass additional genes. As the precise location of this event is unknown, it may be in tandem or it may be located elsewhere in the genome.